The following is an entry in ClinVar:

ClinVar aggregate classification (germline): Uncertain significance. Review status: criteria provided, multiple submitters, no conflicts (2 of 4 stars). 3 submissions from 3 submitters: Uncertain significance (3). Last evaluated 2025-10-21.

Conditions:
Inborn genetic diseases. Identifiers: MedGen C0950123, MeSH D030342.

Allele frequency attached by ClinVar (database versions not stated): gnomAD exomes 0.00001.
gnomAD v4.1: 19 of 1,590,514 alleles (0.0012%); highest among the groups gnomAD compares: Non-Finnish European, 0.0016%; no homozygotes.

Submissions (3):

Ambry Genetics
Classification: Uncertain significance for Inborn genetic diseases. Last evaluated: 2025-10-21. Review status: criteria provided, single submitter. Criteria: Ambry Variant Classification Scheme 2023. Collection method: clinical testing. Allele origin: germline.

Labcorp Genetics (formerly Invitae), Labcorp
Classification: Uncertain significance. Last evaluated: 2024-11-07. Review status: criteria provided, single submitter. Criteria: Invitae Variant Classification Sherloc (09022015). Collection method: clinical testing. Allele origin: germline.
Comment: This sequence change replaces isoleucine, which is neutral and non-polar, with asparagine, which is neutral and polar, at codon 152 of the OPA1 protein (p.Ile152Asn). This variant is not present in population databases (gnomAD no frequency). This variant has not been reported in the literature in individuals affected with OPA1-related conditions. ClinVar contains an entry for this variant (Variation ID: 1369451). Invitae Evidence Modeling of protein sequence and biophysical properties (such as structural, functional, and spatial information, amino acid conservation, physicochemical variation, residue mobility, and thermodynamic stability) indicates that this missense variant is not expected to disrupt OPA1 protein function with a negative predictive value of 80%. In summary, the available evidence is currently insufficient to determine the role of this variant in disease. Therefore, it has been classified as a Variant of Uncertain Significance.

Blueprint Genetics
Classification: Uncertain significance. Last evaluated: 2022-08-25. Review status: criteria provided, single submitter. Criteria: ACMG Guidelines, 2015. Collection method: clinical testing. Allele origin: germline.

NM_130837.3(OPA1):c.455T>A (p.Ile152Asn)

Gene: OPA1 (OPA1 mitochondrial dynamin like GTPase; plus strand). Cytogenetic location: 3q29.
Variant type: single nucleotide variant.
Coding change: c.455T>A on transcript NM_130837.3 (MANE Select); coding-DNA position 455, T replaced by A.
Protein change: p.Ile152Asn; replaces isoleucine 152 with asparagine.
Molecular consequence: missense variant. On other transcripts: intron variant (5).
Genome position (GRCh38, 1-based): chr3:193,617,184, T>A. VCF-style: chr3-193617184-T-A. GRCh37 (hg19) VCF-style: chr3-193334973-T-A.
Other names: c.83T>A, p.Ile28Asn (NM_001354664.2); c.455T>A, p.Ile152Asn (NM_015560.3, NM_130834.3, NM_130836.3); c.76+1414T>A (NM_001354663.2); c.449-600T>A (NM_130835.3, NM_130832.3); c.448+1414T>A (NM_130833.3, NM_130831.3); c.455T>A (NM_015560.2); short protein forms I28N, I152N.
Identifiers: ClinVar variation 1369451 (VCV001369451.10), dbSNP rs2108877878, ClinGen allele CA355787554.
Genomic context (GRCh38, chr3:193,617,184, plus strand): 5'-AGTATCTGACATATTTTCTTAGTTTCATACTCTATATGTTTTGATCTTTTCCAGAGAAAA[T>A]TAGAAAAGCCCTTCCTAGTTCAGAAGACCTTGTAAAGTTAGCACCAGACTTTGACAAGAT-3'
Protein context (NP_570850.2, residues 142-162): EIDEYIDFEK[Ile152Asn]RKALPSSEDL